The following is an entry in ClinVar:

NM_201384.3(PLEC):c.9278A>G (p.Glu3093Gly)

Gene: PLEC (plectin; minus strand). Cytogenetic location: 8q24.3.
Variant type: single nucleotide variant.
Coding change: c.9278A>G on transcript NM_201384.3 (MANE Select); coding-DNA position 9278, A replaced by G.
Protein change: p.Glu3093Gly; replaces glutamic acid 3093 with glycine.
Molecular consequence: missense variant.
Genome position (GRCh38, 1-based): chr8:143,920,543, T>C on the plus strand (A>G on the coding strand, the complement: PLEC is on the minus strand). VCF-style: chr8-143920543-T-C. GRCh37 (hg19) VCF-style: chr8-144994711-T-C.
Other names: c.9359A>G, p.Glu3120Gly (NM_000445.5); c.9236A>G, p.Glu3079Gly (NM_201378.4); c.9212A>G, p.Glu3071Gly (NM_201379.3); c.9689A>G, p.Glu3230Gly (NM_201380.4); c.9182A>G, p.Glu3061Gly (NM_201381.3); c.9278A>G, p.Glu3093Gly (NM_201382.4); c.9290A>G, p.Glu3097Gly (NM_201383.3); short protein forms E3120G, E3071G, E3079G, E3093G, E3061G, E3097G, E3230G.
Identifiers: ClinVar variation 1501952 (VCV001501952.8), dbSNP rs1822247949, ClinGen allele CA372511032.

ClinVar aggregate classification (germline): Uncertain significance (1 of 4 stars; one submission).

Conditions:
Epidermolysis bullosa simplex 5B, with muscular dystrophy (EBS5B). Also called: Epidermolysis bullosa simplex with muscular dystrophy; EPIDERMOLYSIS BULLOSA SIMPLEX AND LIMB-GIRDLE MUSCULAR DYSTROPHY. Identifiers: Orphanet 257, MedGen C2931072, MONDO:0009181, OMIM 226670.
Autosomal recessive limb-girdle muscular dystrophy type 2Q (LGMDR17). Also called: MUSCULAR DYSTROPHY, LIMB-GIRDLE, AUTOSOMAL RECESSIVE 17. Identifiers: Orphanet 254361, MedGen C3150989, MONDO:0013390, OMIM 613723.
Epidermolysis bullosa simplex with nail dystrophy (EBS5D). Identifiers: MedGen C4225309, MONDO:0014661, OMIM 616487.
Epidermolysis bullosa simplex 5C, with pyloric atresia (EBS5C). Also called: Epidermolysis bullosa simplex with pyloric atresia; PLEC-Related Epidermolysis Bullosa with Pyloric Atresia; PLEC1-Related Epidermolysis Bullosa with Pyloric Atresia. Identifiers: Orphanet 158684, MedGen C2677349, MONDO:0012807, OMIM 612138.
Epidermolysis bullosa simplex, Ogna type (EBS5A). Also called: EPIDERMOLYSIS BULLOSA SIMPLEX 5A, OGNA TYPE; Pidermolysis bullosa simplex 5A, Ogna type. Identifiers: Orphanet 79401, MedGen C0432317, MONDO:0007555, OMIM 131950.

Submission:

Labcorp Genetics (formerly Invitae), Labcorp
Classification: Uncertain significance for Autosomal recessive limb-girdle muscular dystrophy type 2Q; Epidermolysis bullosa simplex, Ogna type; Epidermolysis bullosa simplex with nail dystrophy; Epidermolysis bullosa simplex 5C, with pyloric atresia; Epidermolysis bullosa simplex 5B, with muscular dystrophy. Last evaluated: 2024-02-23. Review status: criteria provided, single submitter. Criteria: Invitae Variant Classification Sherloc (09022015). Collection method: clinical testing. Allele origin: germline.
Comment: This sequence change replaces glutamic acid, which is acidic and polar, with glycine, which is neutral and non-polar, at codon 3120 of the PLEC protein (p.Glu3120Gly). This variant is not present in population databases (gnomAD no frequency). This variant has not been reported in the literature in individuals affected with PLEC-related conditions. ClinVar contains an entry for this variant (Variation ID: 1501952). An algorithm developed to predict the effect of missense changes on protein structure and function (PolyPhen-2) suggests that this variant is likely to be disruptive. In summary, the available evidence is currently insufficient to determine the role of this variant in disease. Therefore, it has been classified as a Variant of Uncertain Significance.